The following is an entry in ClinVar:

NM_004187.5(KDM5C):c.2116C>T (p.Gln706Ter)

Gene: KDM5C (lysine demethylase 5C; minus strand). Cytogenetic location: Xp11.22.
Variant type: single nucleotide variant.
Coding change: c.2116C>T on transcript NM_004187.5 (MANE Select); coding-DNA position 2116, C replaced by T.
Protein change: p.Gln706Ter; replaces glutamine 706 with a stop codon.
Molecular consequence: nonsense. On other transcripts: non-coding transcript variant (3).
Genome position (GRCh38, 1-based): chrX:53,199,104, G>A on the plus strand (C>T on the coding strand, the complement: KDM5C is on the minus strand). VCF-style: chrX-53199104-G-A. GRCh37 (hg19) VCF-style: chrX-53228286-G-A.
Other names: c.1915C>T, p.Gln639Ter (NM_001146702.2); c.2113C>T, p.Gln705Ter (NM_001282622.3, NM_001353979.2, NM_001353982.2); c.2116C>T, p.Gln706Ter (NM_001353978.3, NM_001353981.2, NM_001353984.2); short protein forms Q639*, Q705*, Q706*.
Identifiers: ClinVar variation 1209852 (VCV001209852.2), dbSNP rs2146852767, ClinGen allele CA413120497.

ClinVar aggregate classification (germline): Pathogenic (1 of 4 stars; one submission).

Conditions:
Intellectual developmental disorder, X-linked, syndromic, Claes-Jensen type. Also called: INTELLECTUAL DEVELOPMENTAL DISORDER, X-LINKED, SYNDROMIC 16; MENTAL RETARDATION, X-LINKED, SYNDROMIC 16; Syndromic X-linked intellectual disability Claes-Jensen type. Identifiers: Orphanet 85279, MedGen C1845243, MONDO:0010355, OMIM 300534.

Submission:

Laboratorio de Genética Hospitales Universitarios Virgen de las Nieves y Clínico San Cecilio (Granada, Spain), Hospitales Universitarios Virgen de las Nieves y Clínico San Cecilio (Granada, Spain)
Classification: Pathogenic for Intellectual developmental disorder, X-linked, syndromic, Claes-Jensen type. Last evaluated: 2021-08-18. Review status: criteria provided, single submitter. Criteria: ACMG Guidelines, 2015. Collection method: clinical testing. Allele origin: de novo. Inheritance: X-linked recessive inheritance. Affected: yes. Observed: 1 variant allele, 1 compound heterozygote.
Comment: The Gln369* variant in the KDM5C gene has not been reported previously as a pathogenic variant nor as a benign variant, to our knowledge. This variant is predicted to cause loss of normal protein function either through protein truncation or nonsense-mediated mRNA decay. We interpret Gln369* as a pathogenic variant.